The following is an entry in ClinVar:

NM_001875.5(CPS1):c.1100A>C (p.Glu367Ala)

Gene: CPS1 (carbamoyl-phosphate synthase 1; plus strand). Cytogenetic location: 2q34.
Variant type: single nucleotide variant.
Coding change: c.1100A>C on transcript NM_001875.5 (MANE Select); coding-DNA position 1100, A replaced by C.
Protein change: p.Glu367Ala; replaces glutamic acid 367 with alanine.
Molecular consequence: missense variant. On other transcripts: non-coding transcript variant (1).
Genome position (GRCh38, 1-based): chr2:210,592,892, A>C. VCF-style: chr2-210592892-A-C. GRCh37 (hg19) VCF-style: chr2-211457616-A-C.
Other names: c.1100A>C, p.Glu367Ala (NM_001122633.3, NM_001369257.1); c.1133A>C, p.Glu378Ala (NM_001369256.1); short protein forms E378A, E367A.
Identifiers: ClinVar variation 2147488 (VCV002147488.2), dbSNP rs201171896, ClinGen allele CA2086251.

ClinVar aggregate classification (germline): Uncertain significance. Review status: criteria provided, multiple submitters, no conflicts (2 of 4 stars). 2 submissions from 2 submitters: Uncertain significance (2). Last evaluated 2025-05-26.

Conditions:
Inborn genetic diseases. Identifiers: MedGen C0950123, MeSH D030342.
Congenital hyperammonemia, type I. Also called: CPS I DEFICIENCY; Carbamoyl-phosphate synthase I deficiency; Carbamoyl phosphate synthetase I deficiency disease; Carbamoyl phosphate synthetase 1 deficiency; Hyperammonemia due to carbamoyl phosphate synthetase 1 deficiency; CPS 1 deficiency. Identifiers: Orphanet 147, MedGen C4082171, MONDO:0009376, OMIM 237300.

Allele frequency attached by ClinVar (database versions not stated): ExAC 0.00001; gnomAD exomes 0.00002; gnomAD 0.00006; TOPMed 0.00006.
gnomAD v4.1: 45 of 1,612,304 alleles (0.0028%); highest among the groups gnomAD compares: Middle Eastern, 0.016%; no homozygotes.

Submissions (2):

Ambry Genetics
Classification: Uncertain significance for Inborn genetic diseases. Last evaluated: 2025-05-26. Review status: criteria provided, single submitter. Criteria: Ambry Variant Classification Scheme 2023. Collection method: clinical testing. Allele origin: germline.

Labcorp Genetics (formerly Invitae), Labcorp
Classification: Uncertain significance for Congenital hyperammonemia, type I. Last evaluated: 2022-08-09. Review status: criteria provided, single submitter. Criteria: Invitae Variant Classification Sherloc (09022015). Collection method: clinical testing. Allele origin: germline.
Comment: This sequence change replaces glutamic acid, which is acidic and polar, with alanine, which is neutral and non-polar, at codon 367 of the CPS1 protein (p.Glu367Ala). This variant is present in population databases (rs201171896, gnomAD 0.002%). This variant has not been reported in the literature in individuals affected with CPS1-related conditions. Algorithms developed to predict the effect of missense changes on protein structure and function are either unavailable or do not agree on the potential impact of this missense change (SIFT: "Deleterious"; PolyPhen-2: "Benign"; Align-GVGD: "Class C0"). In summary, the available evidence is currently insufficient to determine the role of this variant in disease. Therefore, it has been classified as a Variant of Uncertain Significance.